The following is an entry in ClinVar:

NM_001171.6(ABCC6):c.4430T>G (p.Val1477Gly)

Gene: ABCC6 (ATP binding cassette subfamily C member 6; minus strand). Cytogenetic location: 16p13.11.
Variant type: single nucleotide variant.
Coding change: c.4430T>G on transcript NM_001171.6 (MANE Select); coding-DNA position 4430, T replaced by G.
Protein change: p.Val1477Gly; replaces valine 1477 with glycine.
Molecular consequence: missense variant. On other transcripts: non-coding transcript variant (1).
Genome position (GRCh38, 1-based): chr16:16,150,215, A>C on the plus strand (T>G on the coding strand, the complement: ABCC6 is on the minus strand). VCF-style: chr16-16150215-A-C. GRCh37 (hg19) VCF-style: chr16-16244072-A-C.
Other names: c.4088T>G, p.Val1363Gly (NM_001351800.1); short protein forms V1363G, V1477G.
Identifiers: ClinVar variation 3239454 (VCV003239454.19), dbSNP rs2510945515.

ClinVar aggregate classification (germline): Uncertain significance (1 of 4 stars; one submission).

Submission:

CeGaT Center for Human Genetics Tuebingen
Classification: Uncertain significance. Last evaluated: 2024-05-01. Review status: criteria provided, single submitter. Criteria: CeGaT Center For Human Genetics Tuebingen Variant Classification Criteria Version 2. Collection method: clinical testing. Allele origin: germline. Affected: yes. Observed: 1 variant allele.
Comment: ABCC6: PM2, PM3:Supporting, PP2, BP4